The following is an entry in ClinVar:

ClinVar aggregate classification (germline): Uncertain significance (1 of 4 stars; one submission).

Submission:

Labcorp Genetics (formerly Invitae), Labcorp
Classification: Uncertain significance. Last evaluated: 2022-04-25. Review status: criteria provided, single submitter. Criteria: Invitae Variant Classification Sherloc (09022015). Collection method: clinical testing. Allele origin: germline.
Comment: This sequence change replaces leucine, which is neutral and non-polar, with arginine, which is basic and polar, at codon 501 of the MICAL1 protein (p.Leu501Arg). This variant is not present in population databases (gnomAD no frequency). This variant has not been reported in the literature in individuals affected with MICAL1-related conditions. Algorithms developed to predict the effect of missense changes on protein structure and function are either unavailable or do not agree on the potential impact of this missense change (SIFT: "Deleterious"; PolyPhen-2: "Probably Damaging"; Align-GVGD: "Class C0"). In summary, the available evidence is currently insufficient to determine the role of this variant in disease. Therefore, it has been classified as a Variant of Uncertain Significance.

NM_022765.4(MICAL1):c.1445T>G (p.Leu482Arg)

Gene: MICAL1 (microtubule associated monooxygenase, calponin and LIM domain containing 1; minus strand). Cytogenetic location: 6q21.
Variant type: single nucleotide variant.
Coding change: c.1445T>G on transcript NM_022765.4 (MANE Select); coding-DNA position 1445, T replaced by G.
Protein change: p.Leu482Arg; replaces leucine 482 with arginine.
Molecular consequence: missense variant.
Genome position (GRCh38, 1-based): chr6:109,449,471, A>C on the plus strand (T>G on the coding strand, the complement: MICAL1 is on the minus strand). VCF-style: chr6-109449471-A-C. GRCh37 (hg19) VCF-style: chr6-109770674-A-C.
Other names: c.1187T>G, p.Leu396Arg (NM_001159291.2); c.1502T>G, p.Leu501Arg (NM_001286613.2); short protein forms L396R, L501R, L482R.
Identifiers: ClinVar variation 1978115 (VCV001978115.5), dbSNP rs769082109, ClinGen allele CA365229825.